The following is an entry in ClinVar:

ClinVar aggregate classification (germline): Benign/Likely benign. Review status: criteria provided, multiple submitters, no conflicts (2 of 4 stars). 17 submissions from 17 submitters: Benign (6); Likely benign (5). 6 of the submissions do not count toward it. Last evaluated 2026-07-01.

Conditions:
Joubert syndrome 6 (JBTS6). Identifiers: Orphanet 475, MedGen C1853153, MONDO:0012539, OMIM 610688.
Nephronophthisis 11 (NPHP11). Identifiers: Orphanet 84081, MedGen C3150796, MONDO:0013302, OMIM 613550.
Meckel syndrome, type 3 (MKS3). Also called: MECKEL-GRUBER SYNDROME, TYPE 3. Identifiers: Orphanet 564, MedGen C1846357, MONDO:0011821, OMIM 607361.
RHYNS syndrome. Also called: RETINITIS PIGMENTOSA SYNDROME; RETINITIS PIGMENTOSA, HYPOPITUITARISM, NEPHRONOPHTHISIS, AND MILD SKELETAL DYSPLASIA. Identifiers: Orphanet 140976, MedGen C1865794, MONDO:0011202, OMIM 602152.
COACH syndrome 1. Identifiers: Orphanet 1454, MedGen C5435651, MONDO:0800103, OMIM 216360, MONDO:0008996.
Bardet-Biedl syndrome 14 (BBS14). Identifiers: Orphanet 110, MedGen C2673874, MONDO:0014442, OMIM 615991.
Meckel-Gruber syndrome. Also called: DYSENCEPHALIA SPLANCHNOCYSTICA; GRUBER SYNDROME; Dysencephalia splachnocystica. Identifiers: Orphanet 564, MedGen C0265215, MONDO:0018921.
Joubert syndrome. Also called: Familial aplasia of the vermis; JOUBERT-BOLTSHAUSER SYNDROME. Identifiers: Orphanet 475, MedGen C5979921, MONDO:0018772.

Allele frequency attached by ClinVar (database versions not stated): TOPMed 0.00984; 1000 Genomes Project 30x 0.01015; 1000 Genomes Project 0.01038; ESP Exome Variant Server 0.01061; gnomAD 0.01141 and 0.01185; gnomAD exomes 0.01365 and 0.01506; ExAC 0.01451.

Submissions (17):

CeGaT Center for Human Genetics Tuebingen
Classification: Benign. Last evaluated: 2026-07-01. Review status: criteria provided, single submitter. Criteria: CeGaT Center For Human Genetics Tuebingen Variant Classification Criteria Version 2. Collection method: clinical testing. Allele origin: germline. Affected: yes. Observed: 101 variant alleles.
Comment: TMEM67: BP4, BS1, BS2

Labcorp Genetics (formerly Invitae), Labcorp
Classification: Benign for Joubert syndrome; Meckel-Gruber syndrome. Last evaluated: 2026-02-04. Review status: criteria provided, single submitter. Criteria: Invitae Variant Classification Sherloc (09022015). Collection method: clinical testing. Allele origin: germline.

Blueprint Genetics
Classification: Likely benign. Last evaluated: 2024-11-27. Review status: criteria provided, single submitter. Criteria: ACMG Guidelines, 2015. Collection method: clinical testing. Allele origin: germline.

Mayo Clinic Laboratories, Mayo Clinic
Classification: Benign. Last evaluated: 2023-06-16. Review status: criteria provided, single submitter. Criteria: ACMG Guidelines, 2015. Collection method: clinical testing. Allele origin: germline. Observed: 21 variant alleles.
Comment: BS1, BS2, BP4

Women's Health and Genetics/Laboratory Corporation of America, LabCorp
Classification: Likely benign. Last evaluated: 2021-12-10. Review status: criteria provided, single submitter. Criteria: LabCorp Variant Classification Summary - May 2015. Collection method: clinical testing. Allele origin: germline.

Fulgent Genetics
Classification: Likely benign for COACH syndrome 1; RHYNS syndrome; Meckel syndrome, type 3; Joubert syndrome 6; Nephronophthisis 11; Bardet-Biedl syndrome 14. Last evaluated: 2021-12-07. Review status: criteria provided, single submitter. Criteria: ACMG Guidelines, 2015. Collection method: clinical testing. Allele origin: unknown.

Illumina Laboratory Services, Illumina
Classification: Likely benign for Meckel syndrome, type 3. Last evaluated: 2017-04-27. Review status: criteria provided, single submitter. Criteria: ICSL Variant Classification Criteria 13 December 2019. Collection method: clinical testing. Allele origin: germline.
Comment: This variant was observed as part of a predisposition screen in an ostensibly healthy population. A literature search was performed for the gene, cDNA change, and amino acid change (where applicable). Publications were found based on this search. The evidence from the literature, in combination with allele frequency data from public databases where available, was sufficient to determine this variant is unlikely to cause disease. Therefore, this variant is classified as likely benign.

GeneDx
Classification: Benign. Last evaluated: 2015-04-07. Review status: criteria provided, single submitter. Criteria: GeneDx Variant Classification (06012015). Collection method: clinical testing. Allele origin: germline. Affected: yes.
Comment: This variant is considered likely benign or benign based on one or more of the following criteria: it is a conservative change, it occurs at a poorly conserved position in the protein, it is predicted to be benign by multiple in silico algorithms, and/or has population frequency not consistent with disease.

Eurofins Ntd Llc (ga)
Classification: Benign. Last evaluated: 2015-02-26. Review status: criteria provided, single submitter. Criteria: EGL Classification Definitions 2015. Collection method: clinical testing. Allele origin: germline. Observed: 1 variant allele, 1 heterozygote.

Breakthrough Genomics
Classification: Likely benign. Review status: criteria provided, single submitter. Criteria: ACMG Guidelines, 2015. Collection method: not provided. Allele origin: germline. Inheritance: Autosomal recessive inheritance. Affected: yes.

PreventionGenetics, part of Exact Sciences
Classification: Benign. Review status: criteria provided, single submitter. Criteria: ACMG Guidelines, 2015. Collection method: clinical testing. Allele origin: germline.

Clinical Genetics DNA and cytogenetics Diagnostics Lab, Erasmus MC, Erasmus Medical Center
Classification: Benign. Review status: no assertion criteria provided. Collection method: clinical testing. Allele origin: germline. Affected: yes. Study: VKGL Data-share Consensus. Not counted in ClinVar's aggregate classification.

Clinical Genetics, Academic Medical Center
Classification: Likely benign. Review status: no assertion criteria provided. Collection method: clinical testing. Allele origin: germline. Affected: yes. Study: VKGL Data-share Consensus. Not counted in ClinVar's aggregate classification.

Diagnostic Laboratory, Department of Genetics, University Medical Center Groningen
Classification: Benign. Review status: no assertion criteria provided. Collection method: clinical testing. Allele origin: germline. Affected: yes. Study: VKGL Data-share Consensus. Not counted in ClinVar's aggregate classification.

Genetic Services Laboratory, University of Chicago
Classification: Likely benign for AllHighlyPenetrant. Review status: no assertion criteria provided. Collection method: clinical testing. Allele origin: germline. Inheritance: Autosomal recessive inheritance. Observed: 6 variant alleles. Not counted in ClinVar's aggregate classification.
Comment: Likely benign based on allele frequency in 1000 Genomes Project or ESP global frequency and its presence in a patient with a rare or unrelated disease phenotype. NOT Sanger confirmed.

Genome Diagnostics Laboratory, University Medical Center Utrecht
Classification: Likely benign. Review status: no assertion criteria provided. Collection method: clinical testing. Allele origin: germline. Affected: yes. Study: VKGL Data-share Consensus. Not counted in ClinVar's aggregate classification.

Laboratory of Diagnostic Genome Analysis, Leiden University Medical Center (LUMC)
Classification: Likely benign. Review status: no assertion criteria provided. Collection method: clinical testing. Allele origin: germline. Affected: yes. Study: VKGL Data-share Consensus. Not counted in ClinVar's aggregate classification.

Literature cited by the submitters: PubMed 17397051 (cited by Mayo Clinic Laboratories, Mayo Clinic); PubMed 19574260 (cited by Mayo Clinic Laboratories, Mayo Clinic and Illumina Laboratory Services, Illumina); PubMed 27894351 (cited by Mayo Clinic Laboratories, Mayo Clinic); PubMed 18327255 (cited by Illumina Laboratory Services, Illumina).

NM_153704.6(TMEM67):c.781G>A (p.Asp261Asn)

Gene: TMEM67 (transmembrane protein 67; plus strand). Cytogenetic location: 8q22.1.
Variant type: single nucleotide variant.
Coding change: c.781G>A on transcript NM_153704.6 (MANE Select); coding-DNA position 781, G replaced by A.
Protein change: p.Asp261Asn; replaces aspartic acid 261 with asparagine.
Molecular consequence: missense variant. On other transcripts: non-coding transcript variant (1).
Genome position (GRCh38, 1-based): chr8:93,780,659, G>A. VCF-style: chr8-93780659-G-A. GRCh37 (hg19) VCF-style: chr8-94792887-G-A.
Other names: c.538G>A, p.Asp180Asn (NM_001142301.1); short protein forms D180N, D261N.
Identifiers: ClinVar variation 126307 (VCV000126307.67), dbSNP rs35793208, ClinGen allele CA151014.